The following is an entry in ClinVar:

NM_000179.3(MSH6):c.2900_2901delinsGT (p.Ile967Ser)

Gene: MSH6 (mutS homolog 6; plus strand). Cytogenetic location: 2p16.3.
Variant type: Indel.
Coding change: c.2900_2901delinsGT on transcript NM_000179.3 (MANE Select); coding-DNA positions 2900 to 2901, TA replaced by GT.
Protein change: p.Ile967Ser; replaces isoleucine 967 with serine.
Molecular consequence: missense variant.
Genome position (GRCh38, 1-based): chr2:47,800,883-47,800,884, TA replaced by GT. VCF-style: chr2-47800883-TA-GT. GRCh37 (hg19) VCF-style: chr2-48028022-TA-GT.
Other names: c.2510_2511delinsGT, p.Ile837Ser (NM_001281492.2); c.1994_1995delinsGT, p.Ile665Ser (NM_001281493.2, NM_001281494.2); short protein forms I665S, I837S, I967S.
Identifiers: ClinVar variation 821967 (VCV000821967.4), dbSNP rs1572729155, ClinGen allele CA915943938.

ClinVar aggregate classification (germline): Uncertain significance (1 of 4 stars; one submission).

Conditions:
Hereditary cancer-predisposing syndrome. Also called: Tumor predisposition; Hereditary Cancer Syndrome; Neoplastic Syndromes, Hereditary; Hereditary neoplastic syndrome. Identifiers: Orphanet 140162, MedGen C0027672, MeSH D009386, MONDO:0015356.

Submission:

Ambry Genetics
Classification: Uncertain significance for Hereditary cancer-predisposing syndrome. Last evaluated: 2022-08-09. Review status: criteria provided, single submitter. Criteria: Ambry Variant Classification Scheme 2023. Collection method: clinical testing. Allele origin: germline.
Comment: The c.2900_2901delTAinsGT variant (also known as p.I967S), located in coding exon 4 of the MSH6 gene, results from an in-frame deletion of TA and insertion of GT at nucleotide positions 2900 to 2901. This results in the substitution of the isoleucine residue for a serine residue at codon 967, an amino acid with dissimilar properties. This amino acid position is not well conserved in available vertebrate species. Since supporting evidence is limited at this time, the clinical significance of this alteration remains unclear.